The following is an entry in ClinVar:

ClinVar aggregate classification (germline): Uncertain significance (1 of 4 stars; one submission).

gnomAD v4.1: 1 of 1,613,916 alleles (0.000062%); highest among the groups gnomAD compares: African/African-American, 0.0013%; no homozygotes.

Submission:

Labcorp Genetics (formerly Invitae), Labcorp
Classification: Uncertain significance. Last evaluated: 2024-11-06. Review status: criteria provided, single submitter. Criteria: Invitae Variant Classification Sherloc (09022015). Collection method: clinical testing. Allele origin: germline.
Comment: This sequence change replaces alanine, which is neutral and non-polar, with glycine, which is neutral and non-polar, at codon 331 of the HPS1 protein (p.Ala331Gly). This variant is not present in population databases (gnomAD no frequency). This variant has not been reported in the literature in individuals affected with HPS1-related conditions. Invitae Evidence Modeling of protein sequence and biophysical properties (such as structural, functional, and spatial information, amino acid conservation, physicochemical variation, residue mobility, and thermodynamic stability) indicates that this missense variant is not expected to disrupt HPS1 protein function with a negative predictive value of 95%. In summary, the available evidence is currently insufficient to determine the role of this variant in disease. Therefore, it has been classified as a Variant of Uncertain Significance.

NM_000195.5(HPS1):c.992C>G (p.Ala331Gly)

Gene: HPS1 (HPS1 biogenesis of lysosomal organelles complex 3 subunit 1; minus strand). Cytogenetic location: 10q24.2.
Variant type: single nucleotide variant.
Coding change: c.992C>G on transcript NM_000195.5 (MANE Select); coding-DNA position 992, C replaced by G.
Protein change: p.Ala331Gly; replaces alanine 331 with glycine.
Molecular consequence: missense variant.
Genome position (GRCh38, 1-based): chr10:98,425,981, G>C on the plus strand (C>G on the coding strand, the complement: HPS1 is on the minus strand). VCF-style: chr10-98425981-G-C. GRCh37 (hg19) VCF-style: chr10-100185738-G-C.
Other names: c.20C>G, p.Ala7Gly (NM_001311345.2, NM_001322487.2, NM_001322489.2); c.992C>G, p.Ala331Gly (NM_001322476.2, NM_001322477.2); c.893C>G, p.Ala298Gly (NM_001322478.2, NM_001322479.2); c.731C>G, p.Ala244Gly (NM_001322480.2, NM_001322481.2); c.632C>G, p.Ala211Gly (NM_001322482.2); c.623C>G, p.Ala208Gly (NM_001322483.2, NM_001322484.2); c.524C>G, p.Ala175Gly (NM_001322485.2); short protein forms A331G, A298G, A175G, A208G, A211G, A244G, A7G.
Identifiers: ClinVar variation 3681831 (VCV003681831.2).